The following is an entry in ClinVar:

NM_006231.4(POLE):c.404C>A (p.Pro135His)

Gene: POLE (DNA polymerase epsilon, catalytic subunit; minus strand). Cytogenetic location: 12q24.33.
Variant type: single nucleotide variant.
Coding change: c.404C>A on transcript NM_006231.4 (MANE Select); coding-DNA position 404, C replaced by A.
Protein change: p.Pro135His; replaces proline 135 with histidine.
Molecular consequence: missense variant.
Genome position (GRCh38, 1-based): chr12:132,679,973, G>T on the plus strand (C>A on the coding strand, the complement: POLE is on the minus strand). VCF-style: chr12-132679973-G-T. GRCh37 (hg19) VCF-style: chr12-133256559-G-T.
Other names: short protein forms P135H.
Identifiers: ClinVar variation 619720 (VCV000619720.11), dbSNP rs1565980234, ClinGen allele CA387368038.

ClinVar aggregate classification (germline): Uncertain significance. Review status: criteria provided, multiple submitters, no conflicts (2 of 4 stars). 2 submissions from 2 submitters: Uncertain significance (2). Last evaluated 2024-06-04.

Submissions (2):

Labcorp Genetics (formerly Invitae), Labcorp
Classification: Uncertain significance. Last evaluated: 2024-06-04. Review status: criteria provided, single submitter. Criteria: Invitae Variant Classification Sherloc (09022015). Collection method: clinical testing. Allele origin: germline.
Comment: This sequence change replaces proline, which is neutral and non-polar, with histidine, which is basic and polar, at codon 135 of the POLE protein (p.Pro135His). This variant is not present in population databases (gnomAD no frequency). This variant has not been reported in the literature in individuals affected with POLE-related conditions. ClinVar contains an entry for this variant (Variation ID: 619720). Advanced modeling of protein sequence and biophysical properties (such as structural, functional, and spatial information, amino acid conservation, physicochemical variation, residue mobility, and thermodynamic stability) performed at Invitae indicates that this missense variant is not expected to disrupt POLE protein function with a negative predictive value of 80%. In summary, the available evidence is currently insufficient to determine the role of this variant in disease. Therefore, it has been classified as a Variant of Uncertain Significance.

Quest Diagnostics Nichols Institute San Juan Capistrano
Classification: Uncertain significance. Last evaluated: 2018-02-27. Review status: criteria provided, single submitter. Criteria: Quest Diagnostics criteria. Collection method: clinical testing. Allele origin: germline.